The following is an entry in ClinVar:

NC_000011.9:g.(?_108206562)_(108206698_?)del

Gene: ATM (ATM serine/threonine kinase; plus strand). Cytogenetic location: 11q22.3.
Variant type: Deletion.
Identifiers: ClinVar variation 3244517 (VCV003244517.1).

ClinVar aggregate classification (germline): Pathogenic (1 of 4 stars; one submission).

Conditions:
Ataxia-telangiectasia syndrome (AT). Also called: LOUIS-BAR SYNDROME; Cerebello-oculocutaneous telangiectasia; Immunodeficiency with ataxia telangiectasia; AT, COMPLEMENTATION GROUP C; Ataxia-telangiectasia, complementation group D; ATAXIA-TELANGIECTASIA, COMPLEMENTATION GROUP A. Identifiers: Orphanet 100, MedGen C0004135, MONDO:0008840, OMIM 208900.

Submission:

Labcorp Genetics (formerly Invitae), Labcorp
Classification: Pathogenic for Ataxia-telangiectasia syndrome. Last evaluated: 2023-06-25. Review status: criteria provided, single submitter. Criteria: Invitae Variant Classification Sherloc (09022015). Collection method: clinical testing. Allele origin: unknown.
Comment: This variant disrupts a region of the ATM protein in which other variant(s) (p.Gln2730Pro) have been determined to be pathogenic (PMID: 16189143, 19431188, 22869595). This suggests that this is a clinically significant region of the protein, and that variants that disrupt it are likely to be disease-causing. This variant has not been reported in the literature in individuals affected with ATM-related conditions. This variant is a gross deletion of the genomic region encompassing exon(s) 56 of the ATM gene. This variant would be expected to be in-frame, preserving the integrity of the reading frame. For these reasons, this variant has been classified as Pathogenic.

Literature cited by the submitters: PubMed 16189143; PubMed 19431188; PubMed 22869595.